The following is an entry in ClinVar:

NM_004214.5(FIBP):c.513-1G>C

Gene: FIBP (FGF1 intracellular binding protein; minus strand). Cytogenetic location: 11q13.1.
Variant type: single nucleotide variant.
Coding change: c.513-1G>C on transcript NM_004214.5 (MANE Select); the canonical splice acceptor site of the intron before coding-DNA position 513, G replaced by C.
Molecular consequence: splice acceptor variant.
Genome position (GRCh38, 1-based): chr11:65,885,664, C>G on the plus strand (G>C on the coding strand, the complement: FIBP is on the minus strand). VCF-style: chr11-65885664-C-G. GRCh37 (hg19) VCF-style: chr11-65653135-C-G.
Other names: c.513-1G>C (NM_198897.2).
Identifiers: ClinVar variation 3347904 (VCV003347904.1).

ClinVar aggregate classification (germline): Likely pathogenic (0 of 4 stars; one submission).

Conditions:
FIBP-related disorder. Also called: FIBP-related condition.

gnomAD v4.1: 4 of 1,610,288 alleles (0.00025%); highest among the groups gnomAD compares: East Asian, 0.0045%; no homozygotes.

Submission:

PreventionGenetics, part of Exact Sciences
Classification: Likely pathogenic for FIBP-related condition. Last evaluated: 2024-08-23. Review status: no assertion criteria provided. Collection method: clinical testing. Allele origin: germline.
Comment: The FIBP c.513-1G>C variant is predicted to disrupt the AG splice acceptor site and interfere with normal splicing. To our knowledge, this variant has not been reported in the literature. This variant is reported in 0.0050% of alleles in individuals of East Asian descent in gnomAD. Variants that disrupt the consensus splice acceptor site in FIBP are expected to be pathogenic. This variant is interpreted as likely pathogenic.